The following is an entry in ClinVar:

ClinVar aggregate classification (germline): Conflicting classifications of pathogenicity. Review status: criteria provided, conflicting classifications (1 of 4 stars). 10 submissions from 10 submitters: Uncertain significance (1); Benign (2); Likely benign (4). 3 of the submissions do not count toward it. Last evaluated 2026-09-23.

Conditions:
TNNT2-related disorder. Also called: TNNT2-related condition.
Cardiomyopathy (CMYO). Also called: Cardiomyopathies. Identifiers: Orphanet 167848, MedGen C0878544, MONDO:0004994, HP:0001638. Inheritance: Various modes of inheritance.
Hypertrophic cardiomyopathy 2. Also called: TNNT2-Related Familial Hypertrophic Cardiomyopathy. Identifiers: MedGen C1861864, MONDO:0007266, OMIM 115195.
Dilated cardiomyopathy 1D. Identifiers: Orphanet 154, Orphanet 54260, MedGen C1832243, MONDO:0011095, OMIM 601494.
Cardiomyopathy, familial restrictive, 3. Identifiers: Orphanet 75249, MedGen C2676271, MONDO:0012900, OMIM 612422.

Allele frequency attached by ClinVar (database versions not stated): gnomAD exomes 0.00008; ExAC 0.00009; TOPMed 0.00005; gnomAD 0.00006.
gnomAD v4.1: 53 of 1,613,732 alleles (0.0033%); highest among the groups gnomAD compares: East Asian, 0.029%; no homozygotes.

Submissions (10):

PreventionGenetics, part of Exact Sciences
Classification: Likely benign for TNNT2-related condition. Last evaluated: 2026-09-23. Review status: criteria provided, single submitter. Criteria: ACMG Guidelines, 2015. Collection method: clinical testing. Allele origin: germline.
Comment: This variant is classified as likely benign based on ACMG/AMP sequence variant interpretation guidelines (Richards et al. 2015 PMID: 25741868, with internal and published modifications).

Labcorp Genetics (formerly Invitae), Labcorp
Classification: Likely benign for Cardiomyopathy, familial restrictive, 3; Hypertrophic cardiomyopathy 2; Dilated cardiomyopathy 1D. Last evaluated: 2025-12-23. Review status: criteria provided, single submitter. Criteria: Invitae Variant Classification Sherloc (09022015). Collection method: clinical testing. Allele origin: germline.

All of Us Research Program, National Institutes of Health
Classification: Benign for Cardiomyopathy. Last evaluated: 2023-12-18. Review status: criteria provided, single submitter. Criteria: ACMG Guidelines, 2015. Collection method: clinical testing. Allele origin: germline. Inheritance: Autosomal dominant inheritance. Observed: 7 variant alleles, 7 heterozygotes.
Comment: This study involves interpretation of variants in research participants for the purpose of population health screening. Participant phenotype was not available at the time of variant classification. Additional details can be found in publication PMID: 35346344, PMCID: PMC8962531

CHEO Genetics Diagnostic Laboratory, Children's Hospital of Eastern Ontario
Classification: Likely benign for Cardiomyopathy. Last evaluated: 2021-11-08. Review status: criteria provided, single submitter. Criteria: ACMG Guidelines, 2015. Collection method: clinical testing. Allele origin: germline.

Color Diagnostics, LLC DBA Color Health
Classification: Benign for Cardiomyopathy. Last evaluated: 2021-01-25. Review status: criteria provided, single submitter. Criteria: ACMG Guidelines, 2015. Collection method: clinical testing. Allele origin: germline.

GeneDx
Classification: Likely benign. Last evaluated: 2018-06-13. Review status: criteria provided, single submitter. Criteria: GeneDx Variant Classification (06012015). Collection method: clinical testing. Allele origin: germline. Affected: yes.
Comment: This variant is considered likely benign or benign based on one or more of the following criteria: it is a conservative change, it occurs at a poorly conserved position in the protein, it is predicted to be benign by multiple in silico algorithms, and/or has population frequency not consistent with disease.

Laboratory for Molecular Medicine, Mass General Brigham Personalized Medicine
Classification: Uncertain significance. Last evaluated: 2010-09-01. Review status: criteria provided, single submitter. Criteria: LMM Criteria. Collection method: clinical testing. Allele origin: germline. Observed: 1 variant allele.
Comment: Variant classified as Uncertain Significance - Favor Pathogenic. The 571-8C>T va riant has not been reported in the literature. It is located in the 3' splice region but does not affect the highly conserved -1 and -2 positions. However, positions -3 and -5 t o -12 are part of the splicing consensus sequence and variants involving these p ositions sometimes affect splicing. Therefore, the clinical significance of thi s variant cannot be determined at this time.

Clinical Genetics DNA and cytogenetics Diagnostics Lab, Erasmus MC, Erasmus Medical Center
Classification: Likely benign. Review status: no assertion criteria provided. Collection method: clinical testing. Allele origin: germline. Affected: yes. Study: VKGL Data-share Consensus. Not counted in ClinVar's aggregate classification.

Clinical Genetics, Academic Medical Center
Classification: Benign. Review status: no assertion criteria provided. Collection method: clinical testing. Allele origin: germline. Affected: yes. Study: VKGL Data-share Consensus. Not counted in ClinVar's aggregate classification.

Joint Genome Diagnostic Labs from Nijmegen and Maastricht, Radboudumc and MUMC+
Classification: Likely benign. Review status: no assertion criteria provided. Collection method: clinical testing. Allele origin: germline. Affected: yes. Study: VKGL Data-share Consensus. Not counted in ClinVar's aggregate classification.

NM_001276345.2(TNNT2):c.601-8C>T

Gene: TNNT2 (troponin T2, cardiac type; minus strand). Cytogenetic location: 1q32.1.
Variant type: single nucleotide variant.
Coding change: c.601-8C>T on transcript NM_001276345.2 (MANE Select); 8 bases into the intron before coding-DNA position 601, C replaced by T.
Molecular consequence: intron variant.
Genome position (GRCh38, 1-based): chr1:201,362,402, G>A on the plus strand (C>T on the coding strand, the complement: TNNT2 is on the minus strand). VCF-style: chr1-201362402-G-A. GRCh37 (hg19) VCF-style: chr1-201331530-G-A.
Other names: c.556-11C>T (NM_001001432.3); c.571-380C>T (NM_001001431.3); c.571-8C>T (NM_001001430.3, NM_001276347.2); c.481-380C>T (NM_001276346.2); c.601-380C>T (NM_000364.4).
Identifiers: ClinVar variation 43657 (VCV000043657.31), dbSNP rs397516475, ClinGen allele CA004794.